The following is an entry in ClinVar:

ClinVar aggregate classification (germline): Conflicting classifications of pathogenicity. Review status: criteria provided, conflicting classifications (1 of 4 stars). 3 submissions from 3 submitters: Uncertain significance (1); Benign (1); Likely benign (1). Last evaluated 2025-05-07.

Conditions:
COL2A1-related disorder. Also called: COL2A1-related condition; COL2A1-related disorders.

Allele frequency attached by ClinVar (database versions not stated): gnomAD 0.00001; gnomAD exomes 0.00001 and 0.00004; TOPMed 0.00001; ExAC 0.00005; 1000 Genomes Project 30x 0.00031; 1000 Genomes Project 0.00040.

Submissions (3):

Labcorp Genetics (formerly Invitae), Labcorp
Classification: Benign. Last evaluated: 2025-05-07. Review status: criteria provided, single submitter. Criteria: Invitae Variant Classification Sherloc (09022015). Collection method: clinical testing. Allele origin: germline.

PreventionGenetics, part of Exact Sciences
Classification: Likely benign for COL2A1-related condition. Last evaluated: 2024-10-18. Review status: criteria provided, single submitter. Criteria: ACMG Guidelines, 2015. Collection method: clinical testing. Allele origin: germline.
Comment: This variant is classified as likely benign based on ACMG/AMP sequence variant interpretation guidelines (Richards et al. 2015 PMID: 25741868, with internal and published modifications).

Eurofins Ntd Llc (ga)
Classification: Uncertain significance. Last evaluated: 2016-11-18. Review status: criteria provided, single submitter. Criteria: EGL Classification Definitions 2015. Collection method: clinical testing. Allele origin: germline. Observed: 1 variant allele, 1 heterozygote.

NM_001844.5(COL2A1):c.2943C>T (p.Gly981=)

Gene: COL2A1 (collagen type II alpha 1 chain; minus strand). Cytogenetic location: 12q13.11.
Variant type: single nucleotide variant.
Coding change: c.2943C>T on transcript NM_001844.5 (MANE Select); coding-DNA position 2943, C replaced by T.
Protein change: p.Gly981=; no amino-acid change (glycine 981 retained).
Molecular consequence: synonymous variant.
Genome position (GRCh38, 1-based): chr12:47,978,351, G>A on the plus strand (C>T on the coding strand, the complement: COL2A1 is on the minus strand). VCF-style: chr12-47978351-G-A. GRCh37 (hg19) VCF-style: chr12-48372134-G-A.
Other names: c.2943C>T (NM_001844.4); c.2736C>T, p.Gly912= (NM_033150.3).
Identifiers: ClinVar variation 498302 (VCV000498302.11), dbSNP rs566132150, ClinGen allele CA6534946.